The following is an entry in ClinVar:

NM_001083962.2(TCF4):c.1031del (p.Asn344fs)

Gene: TCF4 (transcription factor 4; minus strand). Cytogenetic location: 18q21.2.
Variant type: Deletion.
Coding change: c.1031del on transcript NM_001083962.2 (MANE Select); coding-DNA position 1031, one base deleted (A; older notation c.1031delA).
Protein change: p.Asn344fs; shifts the reading frame from asparagine 344.
Molecular consequence: frameshift variant.
Genome position (GRCh38, 1-based): chr18:55,259,987, T deleted on the plus strand (A on the coding strand, the reverse complement: TCF4 is on the minus strand); the first of 3 consecutive T bases (chr18:55,259,987-55,259,989); deleting any one gives the same sequence. VCF-style (leftmost placement, unchanged base first): chr18-55259986-GT-G. GRCh37 (hg19) VCF-style: chr18-52927217-GT-G.
Other names: c.959del, p.Asn320fs (NM_001306207.1, NM_001348217.1, NM_001348218.2 and 9 more transcripts); c.818del, p.Asn273fs (NM_001306208.1, NM_001243232.1); c.1031del, p.Asn344fs (NM_001330604.3, NM_001369567.1, NM_001369568.1 and 4 more transcripts); c.641del, p.Asn214fs (NM_001330605.3, NM_001348212.2, NM_001348213.2 and 1 more transcripts); c.905del, p.Asn302fs (NM_001348211.2, NM_001243231.2); c.551del, p.Asn184fs (NM_001348214.2, NM_001348216.2, NM_001243234.2 and 2 more transcripts); c.383del, p.Asn128fs (NM_001348215.2); c.956del, p.Asn319fs (NM_001348220.1, NM_001369576.1, NM_001369578.1 and 3 more transcripts); and 4 more; short protein forms N214fs, N302fs, N350fs, N446fs, N184fs, N273fs, N319fs, N342fs.
Identifiers: ClinVar variation 280763 (VCV000280763.2), dbSNP rs886041910, ClinGen allele CA10603502.

ClinVar aggregate classification (germline): Pathogenic (1 of 4 stars; one submission).

Submission:

GeneDx
Classification: Pathogenic. Last evaluated: 2016-07-21. Review status: criteria provided, single submitter. Criteria: GeneDx Variant Classification (06012015). Collection method: clinical testing. Allele origin: germline. Affected: yes.
Comment: The c.1031delA variant in the TCF4 gene has not been reported previously as a pathogenic variant nor as a benign variant, to our knowledge. The c.1031delA variant causes a frameshift starting with codon Asparagine 344, changes this amino acid to a Threonine residue, and creates a premature Stop codon at position 47 of the new reading frame, denoted p.Asn344ThrfsX47. This variant is predicted to cause loss of normal protein function either through protein truncation or nonsense-mediated mRNA decay. The c.1031delA variant was not observed in approximately 6500 individuals of European and African American ancestry in the NHLBI Exome Sequencing Project, indicating it is not a common benign variant in these populations. We interpret c.1031delA as a pathogenic variant.